The following is an entry in ClinVar:

NM_182914.3(SYNE2):c.15159+2T>G

Gene: SYNE2 (spectrin repeat containing nuclear envelope protein 2; plus strand). Cytogenetic location: 14q23.2.
Variant type: single nucleotide variant.
Coding change: c.15159+2T>G on transcript NM_182914.3 (MANE Select); the canonical splice donor site of the intron after coding-DNA position 15159, T replaced by G.
Molecular consequence: splice donor variant.
Genome position (GRCh38, 1-based): chr14:64,141,525, T>G. VCF-style: chr14-64141525-T-G. GRCh37 (hg19) VCF-style: chr14-64608243-T-G.
Other names: c.15159+2T>G (NM_015180.6).
Identifiers: ClinVar variation 2721567 (VCV002721567.3), dbSNP rs1299251422, ClinGen allele CA389941032.

ClinVar aggregate classification (germline): Uncertain significance (1 of 4 stars; one submission).

Conditions:
Emery-Dreifuss muscular dystrophy 5, autosomal dominant (EDMD5). Also called: EMERY-DREIFUSS MUSCULAR DYSTROPHY 5. Identifiers: Orphanet 261, MedGen C2751805, MONDO:0013072, OMIM 612999.

Allele frequency attached by ClinVar (database versions not stated): TOPMed below 0.00001; gnomAD 0.00001; gnomAD exomes 0.00003.
gnomAD v4.1: 40 of 1,613,636 alleles (0.0025%); highest among the groups gnomAD compares: Non-Finnish European, 0.0034%; no homozygotes.

Submission:

Labcorp Genetics (formerly Invitae), Labcorp
Classification: Uncertain significance for Emery-Dreifuss muscular dystrophy 5, autosomal dominant. Last evaluated: 2025-06-03. Review status: criteria provided, single submitter. Criteria: Invitae Variant Classification Sherloc (09022015). Collection method: clinical testing. Allele origin: germline.
Comment: This sequence change affects a donor splice site in intron 81 of the SYNE2 gene. It is expected to disrupt RNA splicing. Variants that disrupt the donor or acceptor splice site typically lead to a loss of protein function (PMID: 16199547), however the current clinical and genetic evidence is not sufficient to establish whether loss-of-function variants in SYNE2 cause disease. This variant is not present in population databases (gnomAD no frequency). This variant has not been reported in the literature in individuals affected with SYNE2-related conditions. ClinVar contains an entry for this variant (Variation ID: 2721567). Algorithms developed to predict the effect of sequence changes on RNA splicing suggest that this variant may disrupt the consensus splice site. In summary, the available evidence is currently insufficient to determine the role of this variant in disease. Therefore, it has been classified as a Variant of Uncertain Significance.

Literature cited by the submitters: PubMed 16199547.